The following is an entry in ClinVar:

NM_020944.3(GBA2):c.496T>C (p.Trp166Arg)

Gene: GBA2 (glucosylceramidase beta 2; minus strand). Cytogenetic location: 9p13.3.
Variant type: single nucleotide variant.
Coding change: c.496T>C on transcript NM_020944.3 (MANE Select); coding-DNA position 496, T replaced by C.
Protein change: p.Trp166Arg; replaces tryptophan 166 with arginine.
Molecular consequence: missense variant.
Genome position (GRCh38, 1-based): chr9:35,744,368, A>G on the plus strand (T>C on the coding strand, the complement: GBA2 is on the minus strand). VCF-style: chr9-35744368-A-G. GRCh37 (hg19) VCF-style: chr9-35744365-A-G.
Other names: c.496T>C, p.Trp166Arg (NM_001330660.2); short protein forms W166R.
Identifiers: ClinVar variation 2150017 (VCV002150017.4), dbSNP rs980564749, ClinGen allele CA192765375.

ClinVar aggregate classification (germline): Uncertain significance (1 of 4 stars; one submission).

Conditions:
Spastic paraplegia. Identifiers: MedGen C0037772, HP:0001258.

Allele frequency attached by ClinVar (database versions not stated): TOPMed below 0.00001; gnomAD 0.00001; gnomAD exomes 0.00001.
gnomAD v4.1: 18 of 1,613,254 alleles (0.0011%); highest among the groups gnomAD compares: African/African-American, 0.0027%; no homozygotes.

Submission:

Labcorp Genetics (formerly Invitae), Labcorp
Classification: Uncertain significance for Spastic paraplegia. Last evaluated: 2022-04-11. Review status: criteria provided, single submitter. Criteria: Invitae Variant Classification Sherloc (09022015). Collection method: clinical testing. Allele origin: germline.
Comment: In summary, the available evidence is currently insufficient to determine the role of this variant in disease. Therefore, it has been classified as a Variant of Uncertain Significance. Algorithms developed to predict the effect of missense changes on protein structure and function are either unavailable or do not agree on the potential impact of this missense change (SIFT: "Deleterious"; PolyPhen-2: "Benign"; Align-GVGD: "Class C0"). This variant has not been reported in the literature in individuals affected with GBA2-related conditions. This variant is not present in population databases (gnomAD no frequency). This sequence change replaces tryptophan, which is neutral and slightly polar, with arginine, which is basic and polar, at codon 166 of the GBA2 protein (p.Trp166Arg).